The following is an entry in ClinVar:

ClinVar aggregate classification (germline): Benign (1 of 4 stars; one submission).

Conditions:
Mendelian susceptibility to mycobacterial diseases due to partial STAT1 deficiency. Also called: IMMUNODEFICIENCY 31A, MYCOBACTERIOSIS, AUTOSOMAL DOMINANT; STAT1 DEFICIENCY, AUTOSOMAL DOMINANT; Immunodeficiency 31a. Identifiers: Orphanet 319595, MedGen C4013950, MONDO:0013956, OMIM 614892.

Allele frequency attached by ClinVar (database versions not stated): gnomAD 0.00007; 1000 Genomes Project 30x 0.00031; 1000 Genomes Project 0.00040; TOPMed 0.00006.

Submission:

Illumina Laboratory Services, Illumina
Classification: Benign for Mendelian susceptibility to mycobacterial diseases due to partial STAT1 deficiency. Last evaluated: 2018-01-13. Review status: criteria provided, single submitter. Criteria: ICSL Variant Classification Criteria 13 December 2019. Collection method: clinical testing. Allele origin: germline.
Comment: This variant was observed in the ICSL laboratory as part of a predisposition screen in an ostensibly healthy population. It had not been previously curated by ICSL or reported in the Human Gene Mutation Database (HGMD: prior to June 1st, 2018), and was therefore a candidate for classification through an automated scoring system. Utilizing variant allele frequency, disease prevalence and penetrance estimates, and inheritance mode, an automated score was calculated to assess if this variant is too frequent to cause the disease. Based on the score and internal cut-off values, a variant classified as benign is not then subjected to further curation. The score for this variant resulted in a classification of benign for this disease.

NM_007315.4(STAT1):c.*1002T>C

Gene: STAT1 (signal transducer and activator of transcription 1; minus strand). Cytogenetic location: 2q32.2.
Variant type: single nucleotide variant.
Coding change: c.*1002T>C on transcript NM_007315.4 (MANE Select); 1002 bases downstream of the stop codon, T replaced by C.
Molecular consequence: 3 prime UTR variant.
Genome position (GRCh38, 1-based): chr2:190,969,701, A>G on the plus strand (T>C on the coding strand, the complement: STAT1 is on the minus strand). VCF-style: chr2-190969701-A-G. GRCh37 (hg19) VCF-style: chr2-191834427-A-G.
Other names: c.*1002T>C (NM_001384880.1, NM_001384881.1, NM_001384882.1 and 9 more transcripts).
Identifiers: ClinVar variation 333251 (VCV000333251.5), dbSNP rs562081130, ClinGen allele CA10611859.
Genomic context (GRCh38, chr2:190,969,701, plus strand): 5'-CATATGCAGTTCTCAATGCAGTTACATAGGAAATGAGTTTTGAAATGATCTGATTCTCAT[A>G]TTATCTCTGGTGTATTATTCAAGTTGTCAGTTACTGCTTTTTCTACTCCTTTCCCAATTT-3'